The following is an entry in ClinVar:

ClinVar aggregate classification (germline): Uncertain significance (1 of 4 stars; one submission).

Allele frequency attached by ClinVar (database versions not stated): gnomAD exomes below 0.00001; ExAC 0.00001; gnomAD 0.00001; TOPMed 0.00002.
gnomAD v4.1: 3 of 1,600,912 alleles (0.00019%); highest among the groups gnomAD compares: African/African-American, 0.0027%; no homozygotes.

Submission:

Labcorp Genetics (formerly Invitae), Labcorp
Classification: Uncertain significance. Last evaluated: 2023-03-10. Review status: criteria provided, single submitter. Criteria: Invitae Variant Classification Sherloc (09022015). Collection method: clinical testing. Allele origin: germline.
Comment: In summary, the available evidence is currently insufficient to determine the role of this variant in disease. Therefore, it has been classified as a Variant of Uncertain Significance. Variants that disrupt the consensus splice site are a relatively common cause of aberrant splicing (PMID: 17576681, 9536098). Algorithms developed to predict the effect of sequence changes on RNA splicing suggest that this variant may disrupt the consensus splice site. Algorithms developed to predict the effect of missense changes on protein structure and function output the following: SIFT: "Not Available"; PolyPhen-2: "Benign"; Align-GVGD: "Not Available". The threonine amino acid residue is found in multiple mammalian species, which suggests that this missense change does not adversely affect protein function. ClinVar contains an entry for this variant (Variation ID: 1952621). This variant has not been reported in the literature in individuals affected with PROSC-related conditions. The frequency data for this variant in the population databases is considered unreliable, as metrics indicate poor data quality at this position in the gnomAD database. This sequence change replaces alanine, which is neutral and non-polar, with threonine, which is neutral and polar, at codon 107 of the PROSC protein (p.Ala107Thr). This variant also falls at the last nucleotide of exon 4, which is part of the consensus splice site for this exon.

Literature cited by the submitters: PubMed 17576681; PubMed 9536098.

NM_007198.4(PLPBP):c.319G>A (p.Ala107Thr)

Gene: PLPBP (pyridoxal phosphate binding protein; plus strand). Cytogenetic location: 8p11.23.
Variant type: single nucleotide variant.
Coding change: c.319G>A on transcript NM_007198.4 (MANE Select); coding-DNA position 319, G replaced by A.
Protein change: p.Ala107Thr; replaces alanine 107 with threonine.
Molecular consequence: missense variant.
Genome position (GRCh38, 1-based): chr8:37,766,355, G>A. VCF-style: chr8-37766355-G-A. GRCh37 (hg19) VCF-style: chr8-37623873-G-A.
Other names: c.319G>A, p.Ala107Thr (NM_001349346.2); c.313G>A, p.Ala105Thr (NM_001349347.2); c.163G>A, p.Ala55Thr (NM_001349348.2); c.424G>A, p.Gly142Arg (NM_001349349.1); short protein forms A105T, A107T, A55T, G142R.
Identifiers: ClinVar variation 1952621 (VCV001952621.3), dbSNP rs767014044, ClinGen allele CA4711197.